The following is an entry in ClinVar:

ClinVar aggregate classification (germline): Pathogenic. Review status: reviewed by expert panel (3 of 4 stars). 5 submissions from 5 submitters: Pathogenic (1). 4 of the submissions do not count toward it. Last evaluated 2022-06-12.

Conditions:
Phenylketonuria (PKU). Also called: Phenylketonuria (PKU); FOLLING DISEASE; OLIGOPHRENIA PHENYLPYRUVICA; Phenylketonurias. Identifiers: Orphanet 716, MedGen C0031485, MONDO:0009861, OMIM 261600. Disease mechanism: loss of function.

Allele frequency attached by ClinVar (database versions not stated): TOPMed 0.00002.
gnomAD v4.1: 28 of 1,613,840 alleles (0.0017%); highest among the groups gnomAD compares: East Asian, 0.0022%; no homozygotes.

Submissions (5):

ClinGen PAH Variant Curation Expert Panel
Classification: Pathogenic for Phenylketonuria. Last evaluated: 2022-06-12. Review status: reviewed by expert panel. Criteria: ClinGen PAH ACMG Specifications v1. Collection method: curation. Allele origin: germline. Inheritance: Autosomal recessive inheritance.
Comment: The c.722G>T (p.Arg241Leu) variant in PAH has been reported in 3 individuals with PAH deficiency. It was detected with pathogenic variants p.S67P (PMID: 8533759) and p.R408W (PMID: 23500595) and a likely pathogenic variant p.Ile224Thr (PMID: 28982351). This variant has an extremely low allele frequency (MAF=0.00004) in gnomAD. Computational prediction tools and conservation analysis support a deleterious effect. Pathogenic missense changes at the same amino acid (p.Arg241His and p.Arg241Cys) are reported in ClinVar. In summary, this variant meets criteria to be classified as pathogenic for PAH. PAH-specific ACMG/AMP criteria applied: PM3_Strong, PM2, PM5, PP3, PP4.

Natera, Inc.
Classification: Likely pathogenic for Phenylketonuria. Last evaluated: 2025-03-18. Review status: criteria provided, single submitter. Criteria: Natera Variant Classification Schema (03/2026). Collection method: clinical testing. Allele origin: germline. Not counted in ClinVar's aggregate classification.
Comment: The c.722G>T variant in PAH is a missense variant predicted to cause substitution of arginine to leucine at amino acid 241. This variant is rare in the general population with a frequency below the threshold expected for the associated phenotype(s). This variant has been observed in one or more individuals affected with the associated recessive disease, as either homozygous or compound heterozygous with a second variant (PMID: 32668217, 33677757, 28982351). A different variant at the same position has been determined to be Pathogenic or Likely Pathogenic. Computational prediction algorithms indicate this variant is likely to affect gene or protein function. Given the available evidence, this variant is classified as Likely Pathogenic.

Labcorp Genetics (formerly Invitae), Labcorp
Classification: Pathogenic for Phenylketonuria. Last evaluated: 2024-02-22. Review status: criteria provided, single submitter. Criteria: Invitae Variant Classification Sherloc (09022015). Collection method: clinical testing. Allele origin: germline. Not counted in ClinVar's aggregate classification.
Comment: This sequence change replaces arginine, which is basic and polar, with leucine, which is neutral and non-polar, at codon 241 of the PAH protein (p.Arg241Leu). This variant is present in population databases (rs62508730, gnomAD 0.004%). This missense change has been observed in individual(s) with hyperphenylalaninemia (PMID: 8533759, 8632937, 28982351; Invitae). In at least one individual the data is consistent with being in trans (on the opposite chromosome) from a pathogenic variant. ClinVar contains an entry for this variant (Variation ID: 102805). Advanced modeling of protein sequence and biophysical properties (such as structural, functional, and spatial information, amino acid conservation, physicochemical variation, residue mobility, and thermodynamic stability) performed at Invitae indicates that this missense variant is not expected to disrupt PAH protein function with a negative predictive value of 80%. This variant disrupts the p.Arg241 amino acid residue in PAH. Other variant(s) that disrupt this residue have been determined to be pathogenic (PMID: 8222245, 8632937, 10479481, 14681498, 18985011, 19915519, 22330942, 24368688, 25894915). This suggests that this residue is clinically significant, and that variants that disrupt this residue are likely to be disease-causing. For these reasons, this variant has been classified as Pathogenic.

Women's Health and Genetics/Laboratory Corporation of America, LabCorp
Classification: Likely pathogenic for Phenylketonuria. Last evaluated: 2023-06-15. Review status: criteria provided, single submitter. Criteria: LabCorp Variant Classification Summary - May 2015. Collection method: clinical testing. Allele origin: germline. Not counted in ClinVar's aggregate classification.
Comment: Variant summary: PAH c.722G>T (p.Arg241Leu) results in a non-conservative amino acid change located in the Aromatic amino acid hydroxylase, C-terminal (IPR019774) of the encoded protein sequence. Four of five in-silico tools predict a damaging effect of the variant on protein function. The variant allele was found at a frequency of 4e-06 in 251030 control chromosomes. c.722G>T has been reported in the literature as a compound heterozygous genotype individuals affected with Phenylalanine Hydroxylase Deficiency (Phenylketonuria) (Liu_2017, Ngiwsara_2021, Zschocke_1995, Eisensmith_1996). In addition other variants affecting the same amino acid have been classified as pathogenic (R241C, R241H) and likely pathogenic (R241S) in our laboratory or in ClinVar, supporting the functional importance of this amino acid. To our knowledge, no experimental evidence demonstrating an impact on protein function has been reported. The following publications have been ascertained in the context of this evaluation (PMID: 8632937, 28982351, 33677757, 8533759). One clinical diagnostic laboratory has submitted clinical-significance assessments for this variant to ClinVar after 2014 and classified the variant as pathogenic. Based on the evidence outlined above, the variant was classified as likely pathogenic.

DeBelle Laboratory for Biochemical Genetics, MUHC/MCH RESEARCH INSTITUTE
No classification provided. Review status: no classification provided. Collection method: not provided. Allele origin: not provided. Not counted in ClinVar's aggregate classification.

Literature cited by the submitters: PubMed 8632937 (cited by 3 submitters); PubMed 8533759 (cited by 3 submitters); PubMed 32668217 (cited by Natera, Inc.); PubMed 33677757 (cited by Natera, Inc. and Women's Health and Genetics/Laboratory Corporation of America, LabCorp); PubMed 28982351 (cited by 3 submitters); PubMed 8222245 (cited by Labcorp Genetics (formerly Invitae), Labcorp); PubMed 10479481 (cited by Labcorp Genetics (formerly Invitae), Labcorp); PubMed 14681498 (cited by Labcorp Genetics (formerly Invitae), Labcorp); PubMed 18985011 (cited by Labcorp Genetics (formerly Invitae), Labcorp); PubMed 19915519 (cited by Labcorp Genetics (formerly Invitae), Labcorp); PubMed 22330942 (cited by Labcorp Genetics (formerly Invitae), Labcorp); PubMed 24368688 (cited by Labcorp Genetics (formerly Invitae), Labcorp); PubMed 25894915 (cited by Labcorp Genetics (formerly Invitae), Labcorp).

NM_000277.3(PAH):c.722G>T (p.Arg241Leu)

Gene: PAH (phenylalanine hydroxylase; minus strand). Cytogenetic location: 12q23.2.
Variant type: single nucleotide variant.
Coding change: c.722G>T on transcript NM_000277.3 (MANE Select); coding-DNA position 722, G replaced by T.
Protein change: p.Arg241Leu; replaces arginine 241 with leucine.
Molecular consequence: missense variant.
Genome position (GRCh38, 1-based): chr12:102,852,935, C>A on the plus strand (G>T on the coding strand, the complement: PAH is on the minus strand). VCF-style: chr12-102852935-C-A. GRCh37 (hg19) VCF-style: chr12-103246713-C-A.
Other names: NM_000277.1(PAH):c.722G>T; c.722G>T, p.Arg241Leu (NM_001354304.2); c.722G>T (NM_000277.2); short protein forms R241L.
Identifiers: ClinVar variation 102805 (VCV000102805.14), dbSNP rs62508730, ClinGen allele CA229716.